The following is an entry in ClinVar:

ClinVar aggregate classification (germline): Benign. Review status: criteria provided, multiple submitters, no conflicts (2 of 4 stars). 2 submissions from 2 submitters: Benign (2). Last evaluated 2018-06-19.

Allele frequency attached by ClinVar (database versions not stated): TOPMed 0.03557; gnomAD 0.03864 and 0.03876; 1000 Genomes Project 30x 0.03935; 1000 Genomes Project 0.03974.
gnomAD v4.1: 53,101 of 1,486,152 alleles (3.6%); highest among the groups gnomAD compares: East Asian, 5.3%; 1,086 homozygotes.

Submissions (2):

GeneDx
Classification: Benign. Last evaluated: 2018-06-19. Review status: criteria provided, single submitter. Criteria: GeneDx Variant Classification (06012015). Collection method: clinical testing. Allele origin: germline. Affected: yes.
Comment: This variant is considered likely benign or benign based on one or more of the following criteria: it is a conservative change, it occurs at a poorly conserved position in the protein, it is predicted to be benign by multiple in silico algorithms, and/or has population frequency not consistent with disease.

Breakthrough Genomics
Classification: Benign. Review status: criteria provided, single submitter. Criteria: ACMG Guidelines, 2015. Collection method: not provided. Allele origin: germline. Inheritance: Autosomal dominant inheritance. Affected: yes.

NM_001035.3(RYR2):c.13329-62A>G

Gene: RYR2 (ryanodine receptor 2; plus strand). Cytogenetic location: 1q43.
Variant type: single nucleotide variant.
Coding change: c.13329-62A>G on transcript NM_001035.3 (MANE Select); 62 bases into the intron before coding-DNA position 13329, A replaced by G.
Molecular consequence: intron variant.
Genome position (GRCh38, 1-based): chr1:237,787,926, A>G. VCF-style: chr1-237787926-A-G. GRCh37 (hg19) VCF-style: chr1-237951226-A-G.
Identifiers: ClinVar variation 671509 (VCV000671509.2), dbSNP rs16835813, ClinGen allele CA16083605.
Genomic context (GRCh38, chr1:237,787,926, plus strand): 5'-AAATTAGTTTTCAAAAGTAATATGATGGCCTAAAATATTTGTTCACTTGGGTAATTTTCC[A>G]CAACACCCGTTTAGTTCTTTAGTTTCTGGAGAGCTTATGTTTTGTTTGTTTGTTTTCATA-3'